The following is an entry in ClinVar:

NM_003105.6(SORL1):c.4556T>A (p.Phe1519Tyr)

Gene: SORL1 (sortilin related receptor 1; plus strand). Cytogenetic location: 11q24.1.
Variant type: single nucleotide variant.
Coding change: c.4556T>A on transcript NM_003105.6 (MANE Select); coding-DNA position 4556, T replaced by A.
Protein change: p.Phe1519Tyr; replaces phenylalanine 1519 with tyrosine.
Molecular consequence: missense variant.
Genome position (GRCh38, 1-based): chr11:121,604,229, T>A. VCF-style: chr11-121604229-T-A. GRCh37 (hg19) VCF-style: chr11-121474938-T-A.
Other names: short protein forms F1519Y.
Identifiers: ClinVar variation 1315667 (VCV001315667.6), dbSNP rs757800678, ClinGen allele CA6329671.

ClinVar aggregate classification (germline): Uncertain significance. Review status: criteria provided, multiple submitters, no conflicts (2 of 4 stars). 2 submissions from 2 submitters: Uncertain significance (2). Last evaluated 2024-02-07.

Allele frequency attached by ClinVar (database versions not stated): ExAC 0.00001; gnomAD 0.00001; gnomAD exomes 0.00001 and 0.00002; TOPMed 0.00001.
gnomAD v4.1: 25 of 1,613,962 alleles (0.0015%); highest among the groups gnomAD compares: Non-Finnish European, 0.002%; no homozygotes.

Submissions (2):

Labcorp Genetics (formerly Invitae), Labcorp
Classification: Uncertain significance. Last evaluated: 2024-02-07. Review status: criteria provided, single submitter. Criteria: Invitae Variant Classification Sherloc (09022015). Collection method: clinical testing. Allele origin: germline.
Comment: This sequence change replaces phenylalanine, which is neutral and non-polar, with tyrosine, which is neutral and polar, at codon 1519 of the SORL1 protein (p.Phe1519Tyr). This variant is present in population databases (rs757800678, gnomAD 0.004%). This variant has not been reported in the literature in individuals affected with SORL1-related conditions. ClinVar contains an entry for this variant (Variation ID: 1315667). Algorithms developed to predict the effect of missense changes on protein structure and function output the following: SIFT: "Not Available"; PolyPhen-2: "Benign"; Align-GVGD: "Not Available". The tyrosine amino acid residue is found in multiple mammalian species, which suggests that this missense change does not adversely affect protein function. In summary, the available evidence is currently insufficient to determine the role of this variant in disease. Therefore, it has been classified as a Variant of Uncertain Significance.

GeneDx
Classification: Uncertain significance. Last evaluated: 2019-04-02. Review status: criteria provided, single submitter. Criteria: GeneDx Variant Classification Process June 2021. Collection method: clinical testing. Allele origin: germline. Affected: yes.
Comment: Has not been previously published as pathogenic or benign to our knowledge; In silico analysis, which includes protein predictors and evolutionary conservation, supports a deleterious effect